The following is an entry in ClinVar:

NM_177939.3(P4HTM):c.888-156C>T

Gene: P4HTM (prolyl 4-hydroxylase, transmembrane; plus strand). Cytogenetic location: 3p21.31.
Variant type: single nucleotide variant.
Coding change: c.888-156C>T on transcript NM_177939.3 (MANE Select); 156 bases into the intron before coding-DNA position 888, C replaced by T.
Molecular consequence: intron variant.
Genome position (GRCh38, 1-based): chr3:49,004,705, C>T. VCF-style: chr3-49004705-C-T. GRCh37 (hg19) VCF-style: chr3-49042138-C-T.
Other names: c.888-156C>T (NM_177938.2).
Identifiers: ClinVar variation 4879528 (VCV004879528.1).
Genomic context (GRCh38, chr3:49,004,705, plus strand): 5'-CATAGCAGGTGTCTCTGTCTTTGGCATCTGAGGGAGAAGGATCATCATGAGTAACCCCCT[C>T]CTGCTCTTACAGGGCCAGTCTGAGATGGCTTAAGGGACTTCCAGGGGAGGTGGGTAGGGG-3'

ClinVar aggregate classification (germline): Uncertain significance (1 of 4 stars; one submission).

Conditions:
Hypotonia, hypoventilation, impaired intellectual development, dysautonomia, epilepsy, and eye abnormalities. Also called: HYPOTONIA, HYPERVENTILATION, IMPAIRED INTELLECTUAL DEVELOPMENT, DYSAUTONOMIA, EPILEPSY, AND EYE ABNORMALITIES. Identifiers: MedGen C5193124, MONDO:0032780, OMIM 618493.

gnomAD v4.1: 68 of 698,512 alleles (0.0097%); highest among the groups gnomAD compares: African/African-American, 0.12%; no homozygotes.

Submission:

Clinical Genomics Laboratory, Washington University in St. Louis
Classification: Uncertain significance for Hypotonia, hypoventilation, impaired intellectual development, dysautonomia, epilepsy, and eye abnormalities. Last evaluated: 2025-10-06. Review status: criteria provided, single submitter. Criteria: ACMG Guidelines, 2015. Collection method: clinical testing. Allele origin: germline.
Comment: The P4HTM c.888-156C>T variant, to our knowledge, has not been reported in the medical literature and is only observed on 68/698,512 alleles in the general population (gnomAD v.4.1.0), indicating it is not a common variant. Computational predictors indicate that this variant may alter splicing, evidence that may correlate with an impact of this variant on P4HTM function. Due to limited information, and based on ACMG/AMP guidelines for variant interpretation (Richards S et al., PMID: 25741868), the clinical significance of this variant is uncertain at this time.